The following is an entry in ClinVar:

ClinVar aggregate classification (germline): Uncertain significance (1 of 4 stars; one submission).

Conditions:
Wilms tumor 1 (WT1). Also called: Wilms tumor, somatic. Identifiers: Orphanet 654, MedGen CN033288, MONDO:0008679, OMIM 194070.

Submission:

Labcorp Genetics (formerly Invitae), Labcorp
Classification: Uncertain significance for Wilms tumor 1. Last evaluated: 2025-12-03. Review status: criteria provided, single submitter. Criteria: Invitae Variant Classification Sherloc (09022015). Collection method: clinical testing. Allele origin: germline.
Comment: This sequence change replaces glycine, which is neutral and non-polar, with glutamic acid, which is acidic and polar, at codon 59 of the GPC3 protein (p.Gly59Glu). This variant is not present in population databases (gnomAD no frequency). This variant has not been reported in the literature in individuals affected with GPC3-related conditions. ClinVar contains an entry for this variant (Variation ID: 2199088). An algorithm developed to predict the effect of missense changes on protein structure and function (PolyPhen-2) suggests that this variant is likely to be disruptive. In summary, the available evidence is currently insufficient to determine the role of this variant in disease. Therefore, it has been classified as a Variant of Uncertain Significance.

NM_004484.4(GPC3):c.176G>A (p.Gly59Glu)

Gene: GPC3 (glypican 3; minus strand). Cytogenetic location: Xq26.2.
Variant type: single nucleotide variant.
Coding change: c.176G>A on transcript NM_004484.4 (MANE Select); coding-DNA position 176, G replaced by A.
Protein change: p.Gly59Glu; replaces glycine 59 with glutamic acid.
Molecular consequence: missense variant. On other transcripts: intron variant (1).
Genome position (GRCh38, 1-based): chrX:133,953,211, C>T on the plus strand (G>A on the coding strand, the complement: GPC3 is on the minus strand). VCF-style: chrX-133953211-C-T. GRCh37 (hg19) VCF-style: chrX-133087238-C-T.
Other names: c.176G>A, p.Gly59Glu (NM_001164617.2, NM_001164618.2); c.175+32064G>A (NM_001164619.2); short protein forms G59E.
Identifiers: ClinVar variation 2199088 (VCV002199088.4), dbSNP rs1286338239, ClinGen allele CA414707631.